The following is an entry in ClinVar:

NC_012920.1(MT-ATP6):m.8639T>C

Gene: MT-ATP6 (mitochondrially encoded ATP synthase 6; plus strand).
Variant type: single nucleotide variant.
Genome position: chrM-8639-T-C.
Identifiers: ClinVar variation 692936 (VCV000692936.1), dbSNP rs200047468, ClinGen allele CA337097950.

ClinVar aggregate classification (germline): Benign (1 of 4 stars; one submission).

Conditions:
Leigh syndrome (NULS). Also called: Leigh's necrotizing encephalopathy; Leigh's disease; Leigh Syndrome (mtDNA deletion); Leigh Disease; Subacute necrotizing encephalopathy; Necrotizing encephalopathy infantile subacute of Leigh. Identifiers: Orphanet 506, MedGen C2931891, MONDO:0009723, OMIM 256000.

Submission:

Wong Mito Lab, Molecular and Human Genetics, Baylor College of Medicine
Classification: Benign for Leigh syndrome. Last evaluated: 2019-10-17. Review status: criteria provided, single submitter. Criteria: Modified ACMG Guidelines (Unpublished). Collection method: clinical testing. Allele origin: germline.
Comment: The NC_012920.1:m.8639T>C (YP_003024031.1:p.Ile38Thr) variant in MTATP6 gene is interpretated to be a Benign variant based on the modified ACMG guidelines (unpublished). This variant meets the following evidence codes: BS1, BS4